The following is an entry in ClinVar:

NM_020631.6(PLEKHG5):c.2377dup (p.Ala793fs)

Gene: PLEKHG5 (pleckstrin homology and RhoGEF domain containing G5; minus strand). Cytogenetic location: 1p36.31.
Variant type: Duplication.
Coding change: c.2377dup on transcript NM_020631.6 (MANE Select); coding-DNA position 2377, one base duplicated (G; older notation c.2377dupG).
Protein change: p.Ala793fs; shifts the reading frame from alanine 793.
Molecular consequence: frameshift variant.
Genome position (GRCh38, 1-based): chr1:6,468,459, C duplicated on the plus strand (G on the coding strand, the reverse complement: PLEKHG5 is on the minus strand). VCF-style (leftmost placement, unchanged base first): chr1-6468458-G-GC. GRCh37 (hg19) VCF-style: chr1-6528518-G-GC.
Other names: c.2377dupG (NM_020631.3); c.2488dup, p.Ala830fs (NM_001042663.3, NM_001265592.2); c.2377dup, p.Ala793Glyfs (NM_001042664.2, NM_001042665.2, NM_001265594.3); c.2584dup, p.Ala862Glyfs (NM_001265593.2); c.2377dup, p.Ala793fs (NM_198681.4); short protein forms A862fs, A793fs, A830fs.
Identifiers: ClinVar variation 284266 (VCV000284266.16), dbSNP rs753593088, ClinGen allele CA561171.

ClinVar aggregate classification (germline): Conflicting classifications of pathogenicity. Review status: criteria provided, conflicting classifications (1 of 4 stars). 4 submissions from 4 submitters: Pathogenic (2); Likely pathogenic (1); Uncertain significance (1). Last evaluated 2024-04-16.

Conditions:
Inborn genetic diseases. Identifiers: MedGen C0950123, MeSH D030342.
Neuronopathy, distal hereditary motor, autosomal recessive 4. Also called: NEUROPATHY, DISTAL HEREDITARY MOTOR, AUTOSOMAL RECESSIVE 4; Autosomal recessive lower motor neuron disease with childhood onset. Identifiers: Orphanet 206580, MedGen C1970211, MONDO:0012608, OMIM 611067.
Charcot-Marie-Tooth disease recessive intermediate C. Also called: CHARCOT-MARIE-TOOTH NEUROPATHY, RECESSIVE INTERMEDIATE C. Identifiers: Orphanet 369867, MedGen C3809309, MONDO:0014154, OMIM 615376.

Allele frequency attached by ClinVar (database versions not stated): gnomAD exomes below 0.00001 and 0.00003; ExAC 0.00001; TOPMed 0.00002.

Submissions (4):

Labcorp Genetics (formerly Invitae), Labcorp
Classification: Pathogenic for Neuronopathy, distal hereditary motor, autosomal recessive 4; Charcot-Marie-Tooth disease recessive intermediate C. Last evaluated: 2024-04-16. Review status: criteria provided, single submitter. Criteria: Invitae Variant Classification Sherloc (09022015). Collection method: clinical testing. Allele origin: germline.
Comment: This sequence change creates a premature translational stop signal (p.Ala793Glyfs*9) in the PLEKHG5 gene. It is expected to result in an absent or disrupted protein product. Loss-of-function variants in PLEKHG5 are known to be pathogenic (PMID: 17564964, 23777631). This variant is present in population databases (rs753593088, gnomAD 0.0009%). This variant has not been reported in the literature in individuals affected with PLEKHG5-related conditions. ClinVar contains an entry for this variant (Variation ID: 284266). For these reasons, this variant has been classified as Pathogenic.

Women's Health and Genetics/Laboratory Corporation of America, LabCorp
Classification: Likely pathogenic for Neuronopathy, distal hereditary motor, autosomal recessive 4. Last evaluated: 2022-03-31. Review status: criteria provided, single submitter. Criteria: LabCorp Variant Classification Summary - May 2015. Collection method: clinical testing. Allele origin: germline.
Comment: Variant summary: PLEKHG5 c.2377dupG (p.Ala793GlyfsX9) results in a premature termination codon, predicted to cause a truncation of the encoded protein or absence of the protein due to nonsense mediated decay, which are known mechanisms for disease. The variant allele was found at a frequency of 4e-06 in 248578 control chromosomes (gnomAD). To our knowledge, no occurrence of c.2377dupG in individuals affected with Distal Spinal Muscular Atrophy, Autosomal Recessive 4 and no experimental evidence demonstrating its impact on protein function have been reported. Two ClinVar submitters have assessed the variant since 2014: one classified the variant as pathogenic, and one classified the variant as of uncertain significance. Based on the evidence outlined above, the variant was classified as likely pathogenic.

Ambry Genetics
Classification: Pathogenic for Inborn genetic diseases. Last evaluated: 2021-07-16. Review status: criteria provided, single submitter. Criteria: Ambry Variant Classification Scheme 2023. Collection method: clinical testing. Allele origin: germline.
Comment: The c.2377dupG pathogenic mutation, located in coding exon 19 of the PLEKHG5 gene, results from a duplication of G at nucleotide position 2377, causing a translational frameshift with a predicted alternate stop codon (p.A793Gfs*9). This variant is considered to be rare based on population cohorts in the Genome Aggregation Database (gnomAD). This alteration is expected to result in loss of function by premature protein truncation or nonsense-mediated mRNA decay. As such, this alteration is interpreted as a disease-causing mutation.

Eurofins Ntd Llc (ga)
Classification: Uncertain significance. Last evaluated: 2015-11-24. Review status: criteria provided, single submitter. Criteria: EGL Classification Definitions. Collection method: clinical testing. Allele origin: germline. Observed: 1 variant allele, 1 heterozygote.

Literature cited by the submitters: PubMed 17564964 (cited by Labcorp Genetics (formerly Invitae), Labcorp); PubMed 23777631 (cited by Labcorp Genetics (formerly Invitae), Labcorp).